The following is an entry in ClinVar:

NM_000321.3(RB1):c.283A>C (p.Lys95Gln)

Gene: RB1 (RB transcriptional corepressor 1; plus strand). Cytogenetic location: 13q14.2.
Variant type: single nucleotide variant.
Coding change: c.283A>C on transcript NM_000321.3 (MANE Select); coding-DNA position 283, A replaced by C.
Protein change: p.Lys95Gln; replaces lysine 95 with glutamine.
Molecular consequence: missense variant.
Genome position (GRCh38, 1-based): chr13:48,342,617, A>C. VCF-style: chr13-48342617-A-C. GRCh37 (hg19) VCF-style: chr13-48916753-A-C.
Other names: c.283A>C, p.Lys95Gln (NM_001407165.1, NM_001407166.1); short protein forms K95Q.
Identifiers: ClinVar variation 1796687 (VCV001796687.8), dbSNP rs1555282775, ClinGen allele CA388252349.

ClinVar aggregate classification (germline): Uncertain significance. Review status: criteria provided, multiple submitters, no conflicts (2 of 4 stars). 2 submissions from 2 submitters: Uncertain significance (2). Last evaluated 2025-04-21.

Conditions:
Hereditary cancer-predisposing syndrome. Also called: Tumor predisposition; Hereditary Cancer Syndrome; Neoplastic Syndromes, Hereditary; Hereditary neoplastic syndrome. Identifiers: Orphanet 140162, MedGen C0027672, MeSH D009386, MONDO:0015356.
Retinoblastoma (RB1). Also called: RETINOBLASTOMA, SOMATIC. Identifiers: Orphanet 790, MedGen C0035335, MeSH D012175, MONDO:0008380, OMIM 180200, HP:0009919. Disease mechanism: loss of function. Inheritance: Both sporadic and heritable forms are tested..

Submissions (2):

Ambry Genetics
Classification: Uncertain significance for Hereditary cancer-predisposing syndrome. Last evaluated: 2025-04-21. Review status: criteria provided, single submitter. Criteria: Ambry Variant Classification Scheme 2023. Collection method: clinical testing. Allele origin: germline.
Comment: The p.K95Q variant (also known as c.283A>C), located in coding exon 3 of the RB1 gene, results from an A to C substitution at nucleotide position 283. The lysine at codon 95 is replaced by glutamine, an amino acid with similar properties. This amino acid position is highly conserved in available vertebrate species. In addition, this alteration is predicted to be tolerated by in silico analysis. Based on the available evidence, the clinical significance of this variant remains unclear.

Labcorp Genetics (formerly Invitae), Labcorp
Classification: Uncertain significance for Retinoblastoma. Last evaluated: 2022-08-10. Review status: criteria provided, single submitter. Criteria: Invitae Variant Classification Sherloc (09022015). Collection method: clinical testing. Allele origin: germline.
Comment: In summary, the available evidence is currently insufficient to determine the role of this variant in disease. Therefore, it has been classified as a Variant of Uncertain Significance. Algorithms developed to predict the effect of missense changes on protein structure and function are either unavailable or do not agree on the potential impact of this missense change (SIFT: "Tolerated"; PolyPhen-2: "Possibly Damaging"; Align-GVGD: "Class C0"). This variant has not been reported in the literature in individuals affected with RB1-related conditions. This variant is not present in population databases (gnomAD no frequency). This sequence change replaces lysine, which is basic and polar, with glutamine, which is neutral and polar, at codon 95 of the RB1 protein (p.Lys95Gln).